The following is an entry in ClinVar:

ClinVar aggregate classification (germline): Likely pathogenic (1 of 4 stars; one submission).

Conditions:
Complex cortical dysplasia with other brain malformations 6. Identifiers: MedGen C4014283, MONDO:0014341, OMIM 615771.

Submission:

Johns Hopkins Genomics, Johns Hopkins University
Classification: Likely pathogenic for Complex cortical dysplasia with other brain malformations 6. Last evaluated: 2022-10-30. Review status: criteria provided, single submitter. Criteria: ACMG Guidelines, 2015. Collection method: clinical testing. Allele origin: germline.
Comment: This TUBB variant is absent from a large population dataset and has not been reported in ClinVar nor the literature, to our knowledge. Of two bioinformatics tools queried, one predicts that the substitution would be damaging, while another predicts that it would be tolerated. The proline residue this position is strongly conserved across the vertebrate species assessed. Bioinformatic analysis predicts that this missense variant would not affect normal exon 3 splicing, although this has not been confirmed experimentally to our knowledge. We consider c.260C>T to be likely pathogenic.

Literature cited by the submitters: PubMed 23246003; PubMed 32085672; PubMed 34211110.

NM_178014.4(TUBB):c.260C>T (p.Pro87Leu)

Gene: TUBB (tubulin beta class I; plus strand). Cytogenetic location: 6p21.33.
Variant type: single nucleotide variant.
Coding change: c.260C>T on transcript NM_178014.4 (MANE Select); coding-DNA position 260, C replaced by T.
Protein change: p.Pro87Leu; replaces proline 87 with leucine.
Molecular consequence: missense variant. On other transcripts: non-coding transcript variant (1).
Genome position (GRCh38, 1-based): chr6:30,723,011, C>T. VCF-style: chr6-30723011-C-T. GRCh37 (hg19) VCF-style: chr6-30690788-C-T.
Other names: c.320C>T, p.Pro107Leu (NM_001293212.2); c.260C>T, p.Pro87Leu (NM_001293213.2); c.128C>T, p.Pro43Leu (NM_001293214.2); c.44C>T, p.Pro15Leu (NM_001293215.2, NM_001293216.2); short protein forms P107L, P15L, P43L, P87L.
Identifiers: ClinVar variation 2443069 (VCV002443069.1), dbSNP rs2536604435, ClinGen allele CA363143941.